The following is an entry in ClinVar:

NM_004304.5(ALK):c.2194G>T (p.Asp732Tyr)

Gene: ALK (ALK receptor tyrosine kinase; minus strand). Cytogenetic location: 2p23.2.
Variant type: single nucleotide variant.
Coding change: c.2194G>T on transcript NM_004304.5 (MANE Select); coding-DNA position 2194, G replaced by T.
Protein change: p.Asp732Tyr; replaces aspartic acid 732 with tyrosine.
Molecular consequence: missense variant.
Genome position (GRCh38, 1-based): chr2:29,251,115, C>A on the plus strand (G>T on the coding strand, the complement: ALK is on the minus strand). VCF-style: chr2-29251115-C-A. GRCh37 (hg19) VCF-style: chr2-29473981-C-A.
Other names: short protein forms D732Y.
Identifiers: ClinVar variation 3285221 (VCV003285221.1).

ClinVar aggregate classification (germline): Uncertain significance (1 of 4 stars; one submission).

Conditions:
Hereditary cancer-predisposing syndrome. Also called: Tumor predisposition; Hereditary Cancer Syndrome; Hereditary neoplastic syndrome; Neoplastic Syndromes, Hereditary. Identifiers: Orphanet 140162, MedGen C0027672, MeSH D009386, MONDO:0015356.

Submission:

Ambry Genetics
Classification: Uncertain significance for Hereditary cancer-predisposing syndrome. Last evaluated: 2024-04-18. Review status: criteria provided, single submitter. Criteria: Ambry Variant Classification Scheme 2023. Collection method: clinical testing. Allele origin: germline.
Comment: The p.D732Y variant (also known as c.2194G>T), located in coding exon 12 of the ALK gene, results from a G to T substitution at nucleotide position 2194. The aspartic acid at codon 732 is replaced by tyrosine, an amino acid with highly dissimilar properties. This amino acid position is conserved. In addition, this alteration is predicted to be deleterious by in silico analysis. Based on the available evidence, the clinical significance of this variant remains unclear.